The following is an entry in ClinVar:

ClinVar aggregate classification (germline): Uncertain significance (1 of 4 stars; one submission).

Conditions:
TMEM67-related disorder. Also called: TMEM67-related condition; TMEM67-related disorders. Identifiers: MedGen CN239423.

gnomAD v4.1: 1 of 1,612,792 alleles (0.000062%); highest among the groups gnomAD compares: Admixed American, 0.0017%; no homozygotes.

Submission:

PreventionGenetics, part of Exact Sciences
Classification: Uncertain significance for TMEM67-related condition. Last evaluated: 2026-08-19. Review status: criteria provided, single submitter. Criteria: ACMG Guidelines, 2015. Collection method: clinical testing. Allele origin: germline.
Comment: The TMEM67 c.1846G>A variant is predicted to result in the amino acid substitution p.Ala616Thr. To our knowledge, this variant has not been reported in the literature or in a large population database (gnomAD), indicating this variant is rare. At this time, the clinical significance of this variant is uncertain due to the absence of conclusive functional and genetic evidence.

NM_153704.6(TMEM67):c.1846G>A (p.Ala616Thr)

Gene: TMEM67 (transmembrane protein 67; plus strand). Cytogenetic location: 8q22.1.
Variant type: single nucleotide variant.
Coding change: c.1846G>A on transcript NM_153704.6 (MANE Select); coding-DNA position 1846, G replaced by A.
Protein change: p.Ala616Thr; replaces alanine 616 with threonine.
Molecular consequence: missense variant. On other transcripts: non-coding transcript variant (1).
Genome position (GRCh38, 1-based): chr8:93,795,973, G>A. VCF-style: chr8-93795973-G-A. GRCh37 (hg19) VCF-style: chr8-94808201-G-A.
Other names: c.1603G>A, p.Ala535Thr (NM_001142301.1); short protein forms A535T, A616T.
Identifiers: ClinVar variation 4995464 (VCV004995464.1).